The following is an entry in ClinVar:

ClinVar aggregate classification (germline): Uncertain significance (1 of 4 stars; one submission).

Conditions:
Aortic aneurysm, familial thoracic 7 (AAT7). Also called: AORTIC DISSECTION, FAMILIAL, WITH OR WITHOUT AORTIC ANEURYSM. Identifiers: MedGen C3151077, MONDO:0013418, OMIM 613780.

Submission:

Labcorp Genetics (formerly Invitae), Labcorp
Classification: Uncertain significance for Aortic aneurysm, familial thoracic 7. Last evaluated: 2025-06-04. Review status: criteria provided, single submitter. Criteria: Invitae Variant Classification Sherloc (09022015). Collection method: clinical testing. Allele origin: germline.
Comment: This variant, c.5715_5720del, results in the deletion of 2 amino acid(s) of the MYLK protein (p.Gly1909_Glu1910del), but otherwise preserves the integrity of the reading frame. This variant is present in population databases (rs748231768, gnomAD 0.0009%). This variant has been observed in individual(s) with autosomal dominant MYLK-related conditions (internal data). ClinVar contains an entry for this variant (Variation ID: 2047015). Experimental studies and prediction algorithms are not available or were not evaluated, and the functional significance of this variant is currently unknown. In summary, the available evidence is currently insufficient to determine the role of this variant in disease. Therefore, it has been classified as a Variant of Uncertain Significance.

NM_053025.4(MYLK):c.5715_5720del (p.1905GE[2])

Genes: MYLK-AS1 (MYLK antisense RNA 1; plus strand), MYLK (myosin light chain kinase; minus strand). Cytogenetic location: 3q21.1.
Variant type: Deletion.
Coding change: c.5715_5720del on transcript NM_053025.4 (MANE Select); coding-DNA positions 5715 to 5720, 6 bases deleted (TGAAGG; older notation c.5715_5720delTGAAGG).
Protein change: p.1905GE[2].
Molecular consequence: inframe deletion.
Genome position (GRCh38, 1-based): chr3:123,614,130-123,614,135, CCTTCA deleted on the plus strand (TGAAGG on the coding strand, the reverse complement: MYLK is on the minus strand); deleting any 6 consecutive bases within chr3:123,614,130-123,614,140 gives the same sequence; the c. name uses the placement nearest the transcript's 3' end. VCF-style (leftmost placement, unchanged base first): chr3-123614129-CCCTTCA-C. GRCh37 (hg19) VCF-style: chr3-123332976-CCCTTCA-C.
Other names: c.5187_5192del, p.1729GE[2] (NM_001321309.2); c.5508_5513del, p.1836GE[2] (NM_053026.4); c.5562_5567del, p.1854GE[2] (NM_053027.4); c.5355_5360del, p.1785GE[2] (NM_053028.4); c.432_437del, p.144GE[2] (NM_053031.4); c.435_440del, p.145GE[2] (NM_053032.4).
Identifiers: ClinVar variation 2047015 (VCV002047015.4), dbSNP rs748231768, ClinGen allele CA073217.